The following is an entry in ClinVar:

ClinVar aggregate classification (germline): Uncertain significance. Review status: criteria provided, multiple submitters, no conflicts (2 of 4 stars). 2 submissions from 2 submitters: Uncertain significance (2). Last evaluated 2023-10-01.

Conditions:
Cutis laxa, autosomal dominant 3 (ADCL3). Identifiers: Orphanet 90348, MedGen C4225268, MONDO:0014706, OMIM 616603.
Autosomal dominant spastic paraplegia type 9. Identifiers: MedGen C1832669, MONDO:0015091.
de Barsy syndrome. Also called: Cutis laxa-corneal clouding-oligophrenia syndrome. Identifiers: Orphanet 2962, MedGen C0268354, MONDO:0017569.

Allele frequency attached by ClinVar (database versions not stated): ExAC 0.00001.
gnomAD v4.1: 3 of 1,613,888 alleles (0.00019%); highest among the groups gnomAD compares: Non-Finnish European, 0.00025%; no homozygotes.

Submissions (2):

CeGaT Center for Human Genetics Tuebingen
Classification: Uncertain significance. Last evaluated: 2023-10-01. Review status: criteria provided, single submitter. Criteria: CeGaT Center For Human Genetics Tuebingen Variant Classification Criteria Version 2. Collection method: clinical testing. Allele origin: germline. Affected: yes. Observed: 1 variant allele.
Comment: ALDH18A1: PM2

Labcorp Genetics (formerly Invitae), Labcorp
Classification: Uncertain significance for Autosomal dominant spastic paraplegia type 9; de Barsy syndrome; Cutis laxa, autosomal dominant 3. Last evaluated: 2023-09-23. Review status: criteria provided, single submitter. Criteria: Invitae Variant Classification Sherloc (09022015). Collection method: clinical testing. Allele origin: germline.
Comment: In summary, the available evidence is currently insufficient to determine the role of this variant in disease. Therefore, it has been classified as a Variant of Uncertain Significance. Advanced modeling of protein sequence and biophysical properties (such as structural, functional, and spatial information, amino acid conservation, physicochemical variation, residue mobility, and thermodynamic stability) performed at Invitae indicates that this missense variant is expected to disrupt ALDH18A1 protein function. This variant has not been reported in the literature in individuals affected with ALDH18A1-related conditions. This variant is present in population databases (rs770688743, gnomAD 0.0009%). This sequence change replaces alanine, which is neutral and non-polar, with threonine, which is neutral and polar, at codon 393 of the ALDH18A1 protein (p.Ala393Thr).

NM_002860.4(ALDH18A1):c.1177G>A (p.Ala393Thr)

Gene: ALDH18A1 (aldehyde dehydrogenase 18 family member A1; minus strand). Cytogenetic location: 10q24.1.
Variant type: single nucleotide variant.
Coding change: c.1177G>A on transcript NM_002860.4 (MANE Select); coding-DNA position 1177, G replaced by A.
Protein change: p.Ala393Thr; replaces alanine 393 with threonine.
Molecular consequence: missense variant.
Genome position (GRCh38, 1-based): chr10:95,625,431, C>T on the plus strand (G>A on the coding strand, the complement: ALDH18A1 is on the minus strand). VCF-style: chr10-95625431-C-T. GRCh37 (hg19) VCF-style: chr10-97385188-C-T.
Other names: c.1171G>A, p.Ala391Thr (NM_001017423.2, NM_001323415.2); c.844G>A, p.Ala282Thr (NM_001323412.2, NM_001323416.2); c.1177G>A, p.Ala393Thr (NM_001323413.2, NM_001323414.2); c.1072G>A, p.Ala358Thr (NM_001323417.2); c.838G>A, p.Ala280Thr (NM_001323418.2); c.541G>A, p.Ala181Thr (NM_001323419.2); short protein forms A181T, A280T, A282T, A358T, A391T, A393T.
Identifiers: ClinVar variation 2640714 (VCV002640714.27), dbSNP rs770688743, ClinGen allele CA5620397.